The following is an entry in ClinVar:

NM_000059.4(BRCA2):c.7791del (p.Glu2598fs)

Gene: BRCA2 (BRCA2 DNA repair associated; plus strand). Cytogenetic location: 13q13.1.
Variant type: Deletion.
Coding change: c.7791del on transcript NM_000059.4 (MANE Select); coding-DNA position 7791, one base deleted (A; older notation c.7791delA).
Protein change: p.Glu2598fs; shifts the reading frame from glutamic acid 2598.
Molecular consequence: frameshift variant.
Genome position (GRCh38, 1-based): chr13:32,357,915, A deleted; the last of 4 consecutive A bases (chr13:32,357,912-32,357,915); deleting any one gives the same sequence. VCF-style (leftmost placement, unchanged base first): chr13-32357911-GA-G. GRCh37 (hg19) VCF-style: chr13-32932048-GA-G.
Other names: c.7791delA (NM_000059.3); short protein forms E2598fs.
Identifiers: ClinVar variation 545888 (VCV000545888.9), dbSNP rs80359681, ClinGen allele CA658823756.
Genomic context (GRCh38, chr13:32,357,911, plus strand): 5'-GAAAAGGAATACAGTTGGCTGATGGTGGATGGCTCATACCCTCCAATGATGGAAAGGCTG[GA>G]AAAGAAGAATTTTATAGGTACTCTATGCAAAAAGATTGTGTGTTAACTTTTATGTATTCC-3'

ClinVar aggregate classification (germline): Pathogenic. Review status: criteria provided, multiple submitters, no conflicts (2 of 4 stars). 2 submissions from 2 submitters: Pathogenic (2). Last evaluated 2018-09-19.

Conditions:
Hereditary breast ovarian cancer syndrome. Also called: Hereditary breast and ovarian cancer; Hereditary breast and/or ovarian cancer syndrome; Hereditary breast and ovarian cancer syndrome; Hereditary breast and ovarian cancer syndrome (HBOC); Breast and ovarian cancer; BRCA1- and BRCA2-Associated Hereditary Breast and Ovarian Cancer. Identifiers: Orphanet 145, MedGen C0677776, MeSH D061325, MONDO:0003582. Disease mechanism: loss of function.

Submissions (2):

Labcorp Genetics (formerly Invitae), Labcorp
Classification: Pathogenic for Hereditary breast ovarian cancer syndrome. Last evaluated: 2018-09-19. Review status: criteria provided, single submitter. Criteria: Invitae Variant Classification Sherloc (09022015). Collection method: clinical testing. Allele origin: germline.
Comment: For these reasons, this variant has been classified as Pathogenic. Loss-of-function variants in BRCA2 are known to be pathogenic (PMID: 20104584). This variant has not been reported in the literature in individuals with BRCA2-related disease. ClinVar contains an entry for this variant (Variation ID: 545888). This variant is not present in population databases (ExAC no frequency). This sequence change creates a premature translational stop signal (p.Glu2598Lysfs*50) in the BRCA2 gene. It is expected to result in an absent or disrupted protein product.

GeneDx
Classification: Pathogenic. Last evaluated: 2018-03-19. Review status: criteria provided, single submitter. Criteria: GeneDx Variant Classification (06012015). Collection method: clinical testing. Allele origin: germline. Affected: yes.
Comment: This deletion of one nucleotide in BRCA2 is denoted c.7791delA at the cDNA level and p.Glu2598LysfsX50 (E2598KfsX50) at the protein level. Using alternate nomenclature, this variant would be defined as BRCA2 8019delA. The normal sequence, with the base that is deleted in brackets, is GAAA[delA]GAAG. The deletion causes a frameshift which changes a Glutamic Acid to a Lysine at codon 2598, and creates a premature stop codon at position 50 of the new reading frame. Although this variant has not, to our knowledge, been reported in the literature, it is predicted to cause loss of normal protein function through either protein truncation or nonsense-mediated mRNA decay. We consider this variant to be pathogenic.

Literature cited by the submitters: PubMed 20104584 (cited by Labcorp Genetics (formerly Invitae), Labcorp).